The following is an entry in ClinVar:

ClinVar aggregate classification (germline): Uncertain significance. Review status: criteria provided, single submitter (1 of 4 stars). 2 submissions from 2 submitters: Uncertain significance (1). 1 of the submissions does not count toward it. Last evaluated 2022-08-01.

Conditions:
Abetalipoproteinaemia (ABL). Also called: MTP DEFICIENCY; Abetalipoproteinemia; Abetalipoproteinemia neuropathy; Apolipoprotein B deficiency; Congenital betalipoprotein deficiency syndrome. Identifiers: Orphanet 14, MedGen C0000744, MONDO:0008692, OMIM 200100, HP:0008181.

Allele frequency attached by ClinVar (database versions not stated): gnomAD 0.00001; TOPMed 0.00003.
gnomAD v4.1: 16 of 1,613,068 alleles (0.00099%); highest among the groups gnomAD compares: African/African-American, 0.0053%; no homozygotes.

Submissions (2):

Labcorp Genetics (formerly Invitae), Labcorp
Classification: Uncertain significance. Last evaluated: 2022-08-01. Review status: criteria provided, single submitter. Criteria: Invitae Variant Classification Sherloc (09022015). Collection method: clinical testing. Allele origin: germline.
Comment: This sequence change replaces methionine, which is neutral and non-polar, with threonine, which is neutral and polar, at codon 429 of the MTTP protein (p.Met429Thr). This variant is present in population databases (rs765712127, gnomAD 0.007%). This variant has not been reported in the literature in individuals affected with MTTP-related conditions. ClinVar contains an entry for this variant (Variation ID: 1039958). Algorithms developed to predict the effect of missense changes on protein structure and function (SIFT, PolyPhen-2, Align-GVGD) all suggest that this variant is likely to be tolerated. In summary, the available evidence is currently insufficient to determine the role of this variant in disease. Therefore, it has been classified as a Variant of Uncertain Significance.

Natera, Inc.
Classification: Uncertain significance for Abetalipoproteinemia. Last evaluated: 2021-03-17. Review status: no assertion criteria provided. Collection method: clinical testing. Allele origin: germline. Not counted in ClinVar's aggregate classification.

NM_001386140.1(MTTP):c.1286T>C (p.Met429Thr)

Gene: MTTP (microsomal triglyceride transfer protein; plus strand). Cytogenetic location: 4q23.
Variant type: single nucleotide variant.
Coding change: c.1286T>C on transcript NM_001386140.1 (MANE Select); coding-DNA position 1286, T replaced by C.
Protein change: p.Met429Thr; replaces methionine 429 with threonine.
Molecular consequence: missense variant.
Genome position (GRCh38, 1-based): chr4:99,601,656, T>C. VCF-style: chr4-99601656-T-C. GRCh37 (hg19) VCF-style: chr4-100522813-T-C.
Other names: c.1286T>C, p.Met429Thr (NM_000253.4); c.1037T>C, p.Met346Thr (NM_001300785.2); short protein forms M346T, M429T.
Identifiers: ClinVar variation 1039958 (VCV001039958.3), dbSNP rs765712127, ClinGen allele CA3022079.